The following is an entry in ClinVar:

ClinVar aggregate classification (germline): Uncertain significance (1 of 4 stars; one submission).

Conditions:
Werner syndrome (WRN). Identifiers: Orphanet 902, MedGen C0043119, MONDO:0010196, OMIM 277700.

Submission:

Labcorp Genetics (formerly Invitae), Labcorp
Classification: Uncertain significance for Werner syndrome. Last evaluated: 2022-06-15. Review status: criteria provided, single submitter. Criteria: Invitae Variant Classification Sherloc (09022015). Collection method: clinical testing. Allele origin: germline.
Comment: Algorithms developed to predict the effect of missense changes on protein structure and function are either unavailable or do not agree on the potential impact of this missense change (SIFT: "Not Available"; PolyPhen-2: "Possibly Damaging"; Align-GVGD: "Not Available"). Variants that disrupt the consensus splice site are a relatively common cause of aberrant splicing (PMID: 17576681, 9536098). Studies have shown that this missense change is associated with altered splicing resulting in unknown protein product impact (Invitae). In summary, the available evidence is currently insufficient to determine the role of this variant in disease. Therefore, it has been classified as a Variant of Uncertain Significance. This sequence change replaces serine, which is neutral and polar, with asparagine, which is neutral and polar, at codon 1078 of the WRN protein (p.Ser1078Asn). This variant also falls at the last nucleotide of exon 26, which is part of the consensus splice site for this exon. This variant is not present in population databases (gnomAD no frequency). This variant has not been reported in the literature in individuals affected with WRN-related conditions.

Literature cited by the submitters: PubMed 17576681; PubMed 9536098.

NM_000553.6(WRN):c.3233G>A (p.Ser1078Asn)

Gene: WRN (WRN RecQ like helicase; plus strand). Cytogenetic location: 8p12.
Variant type: single nucleotide variant.
Coding change: c.3233G>A on transcript NM_000553.6 (MANE Select); coding-DNA position 3233, G replaced by A.
Protein change: p.Ser1078Asn; replaces serine 1078 with asparagine.
Molecular consequence: missense variant.
Genome position (GRCh38, 1-based): chr8:31,141,775, G>A. VCF-style: chr8-31141775-G-A. GRCh37 (hg19) VCF-style: chr8-30999291-G-A.
Other names: short protein forms S1078N.
Identifiers: ClinVar variation 2141477 (VCV002141477.4), dbSNP rs2536031389, ClinGen allele CA370923219.
Genomic context (GRCh38, chr8:31,141,775, plus strand): 5'-CTCAGAGCCTCATCCTTCAAGCTAATGAAGAATTGTGTCCAAAGAAGTTGCTTCTGCCTA[G>A]GTTCATTTTTCAGTTTTTTTCTTGTAACTTCTGCATTTTTTGTTGCTATTTATGTGATTC-3'
Protein context (NP_000544.2, residues 1068-1088): ELCPKKLLLP[Ser1078Asn]SKTVSSGTKE